The following is an entry in ClinVar:

ClinVar aggregate classification (germline): Uncertain significance (1 of 4 stars; one submission).

gnomAD v4.1: 4 of 1,614,222 alleles (0.00025%); highest among the groups gnomAD compares: East Asian, 0.0022%; no homozygotes.

Submission:

Ambry Genetics
Classification: Uncertain significance. Last evaluated: 2024-11-28. Review status: criteria provided, single submitter. Criteria: Ambry Variant Classification Scheme 2023. Collection method: clinical testing. Allele origin: germline.
Comment: The p.V379I variant (also known as c.1135G>A), located in coding exon 4 of the WNK2 gene, results from a G to A substitution at nucleotide position 1135. The valine at codon 379 is replaced by isoleucine, an amino acid with highly similar properties. This amino acid position is conserved. In addition, this alteration is predicted to be tolerated by in silico analysis. Based on the available evidence, the clinical significance of this variant remains unclear.

NM_006648.4(WNK2):c.1135G>A (p.Val379Ile)

Gene: WNK2 (WNK lysine deficient protein kinase 2; plus strand). Cytogenetic location: 9q22.31.
Variant type: single nucleotide variant.
Coding change: c.1135G>A on transcript NM_006648.4 (MANE Select); coding-DNA position 1135, G replaced by A.
Protein change: p.Val379Ile; replaces valine 379 with isoleucine.
Molecular consequence: missense variant.
Genome position (GRCh38, 1-based): chr9:93,234,867, G>A. VCF-style: chr9-93234867-G-A. GRCh37 (hg19) VCF-style: chr9-95997149-G-A.
Other names: c.1135G>A, p.Val379Ile (NM_001282394.3); short protein forms V379I.
Identifiers: ClinVar variation 3470487 (VCV003470487.1).